The following is an entry in ClinVar:

NM_025179.4(PLXNA2):c.2319C>T (p.Asp773=)

Gene: PLXNA2 (plexin A2; minus strand). Cytogenetic location: 1q32.2.
Variant type: single nucleotide variant.
Coding change: c.2319C>T on transcript NM_025179.4 (MANE Select); coding-DNA position 2319, C replaced by T.
Protein change: p.Asp773=; no amino-acid change (aspartic acid 773 retained).
Molecular consequence: synonymous variant.
Genome position (GRCh38, 1-based): chr1:208,082,488, G>A on the plus strand (C>T on the coding strand, the complement: PLXNA2 is on the minus strand). VCF-style: chr1-208082488-G-A. GRCh37 (hg19) VCF-style: chr1-208255833-G-A.
Identifiers: ClinVar variation 3349875 (VCV003349875.1).

ClinVar aggregate classification (germline): Likely benign (0 of 4 stars; one submission).

Conditions:
PLXNA2-related disorder. Also called: PLXNA2-related condition.

Submission:

PreventionGenetics, part of Exact Sciences
Classification: Likely benign for PLXNA2-related condition. Last evaluated: 2023-10-16. Review status: no assertion criteria provided. Collection method: clinical testing. Allele origin: germline.
Comment: This variant is classified as likely benign based on ACMG/AMP sequence variant interpretation guidelines (Richards et al. 2015 PMID: 25741868, with internal and published modifications).